The following is an entry in ClinVar:

NM_007315.4(STAT1):c.1885C>T (p.His629Tyr)

Gene: STAT1 (signal transducer and activator of transcription 1; minus strand). Cytogenetic location: 2q32.2.
Variant type: single nucleotide variant.
Coding change: c.1885C>T on transcript NM_007315.4 (MANE Select); coding-DNA position 1885, C replaced by T.
Protein change: p.His629Tyr; replaces histidine 629 with tyrosine.
Molecular consequence: missense variant.
Genome position (GRCh38, 1-based): chr2:190,977,014, G>A on the plus strand (C>T on the coding strand, the complement: STAT1 is on the minus strand). VCF-style: chr2-190977014-G-A. GRCh37 (hg19) VCF-style: chr2-191841740-G-A.
Other names: c.1825C>T, p.His609Tyr (NM_001384880.1); c.1891C>T, p.His631Tyr (NM_001384881.1, NM_001384884.1); c.1879C>T, p.His627Tyr (NM_001384882.1); c.1786C>T, p.His596Tyr (NM_001384883.1); c.1726C>T, p.His576Tyr (NM_001384885.1); c.1885C>T, p.His629Tyr (NM_001384886.1, NM_001384889.1, NM_001437284.1 and 1 more transcripts); c.1792C>T, p.His598Tyr (NM_001384887.1); c.1855C>T, p.His619Tyr (NM_001384888.1); and 2 more; short protein forms H576Y, H596Y, H598Y, H599Y, H609Y, H619Y, H627Y, H629Y.
Identifiers: ClinVar variation 4884324 (VCV004884324.1).

ClinVar aggregate classification (germline): Likely pathogenic (1 of 4 stars; one submission).

Conditions:
Autoimmune enteropathy and endocrinopathy - susceptibility to chronic infections syndrome. Also called: Immunodeficiency 31C, autosomal dominant; Immunodeficiency 31C. Identifiers: Orphanet 391487, MedGen C3279990, MONDO:0013599, OMIM 614162.

Submission:

Laboratory of Clinical Immunology, Infection and Allergy, Faculty of Medicine and Pharmacy of Casablanca, University of Hassan II Casablanca
Classification: Likely pathogenic for Autoimmune enteropathy and endocrinopathy - susceptibility to chronic infections syndrome. Last evaluated: 2026-08-11. Review status: criteria provided, single submitter. Criteria: ACMG Guidelines, 2015. Collection method: clinical testing. Allele origin: germline. Affected: yes. Observed: 1 variant allele.
Comment: This missense change replaces histidine with tyrosine at position 629 of the STAT1 protein, within the SH2 domain, which mediates STAT1 dimerisation and is a recognised site of gain-of-function variants. The variant is absent from population databases, including gnomAD (PM2). It has been reported in unrelated individuals with chronic mucocutaneous candidiasis (PMID:27262097; 31267875) (PS4_Moderate). Computational tools predict a damaging effect (CADD 23.0) (PP3). Functional studies of this specific substitution have not been performed by our laboratory. In summary, on the basis of PS4_Moderate, PM2, PP3 and PP4, this variant is classified as Likely pathogenic.

Literature cited by the submitters: PubMed 27262097; PubMed 31267875.